The following is an entry in ClinVar:

NM_001164508.2(NEB):c.3880-1G>A

Gene: NEB (nebulin; minus strand). Cytogenetic location: 2q23.3.
Variant type: single nucleotide variant.
Coding change: c.3880-1G>A on transcript NM_001164508.2 (MANE Select); the canonical splice acceptor site of the intron before coding-DNA position 3880, G replaced by A.
Molecular consequence: splice acceptor variant.
Genome position (GRCh38, 1-based): chr2:151,674,585, C>T on the plus strand (G>A on the coding strand, the complement: NEB is on the minus strand). VCF-style: chr2-151674585-C-T. GRCh37 (hg19) VCF-style: chr2-152531099-C-T.
Other names: c.3880-1G>A (NM_004543.5, NM_001164507.2, NM_001271208.2).
Identifiers: ClinVar variation 4058746 (VCV004058746.2).

ClinVar aggregate classification (germline): Likely pathogenic (1 of 4 stars; one submission).

Conditions:
Nemaline myopathy 2 (NEM2). Also called: Nemaline myopathy 2, autosomal recessive. Identifiers: MedGen C1850569, MONDO:0009725, OMIM 256030.

Submission:

Natera, Inc.
Classification: Likely pathogenic for Nemaline myopathy type 2. Last evaluated: 2025-02-17. Review status: criteria provided, single submitter. Criteria: Natera Variant Classification Schema (03/2026). Collection method: clinical testing. Allele origin: germline.
Comment: The c.3880-1G>A variant in NEB is a canonical splice acceptor site variant predicted to affect pre-mRNA splicing, which may result in an abnormal transcript and altered protein product. This variant may result in a truncated or dysfunctional protein product. This variant is rare in the general population with a frequency below the threshold expected for the associated phenotype(s). Another variant at this same site results in an alteration predicted to cause a similar molecular effect has been observed in individual(s) with the associated phenotype. Given the available evidence, this variant is classified as Likely Pathogenic.